The following is an entry in ClinVar:

NM_015338.6(ASXL1):c.3869C>T (p.Ala1290Val)

Gene: ASXL1 (ASXL transcriptional regulator 1; plus strand). Cytogenetic location: 20q11.21.
Variant type: single nucleotide variant.
Coding change: c.3869C>T on transcript NM_015338.6 (MANE Select); coding-DNA position 3869, C replaced by T.
Protein change: p.Ala1290Val; replaces alanine 1290 with valine.
Molecular consequence: missense variant.
Genome position (GRCh38, 1-based): chr20:32,436,581, C>T. VCF-style: chr20-32436581-C-T. GRCh37 (hg19) VCF-style: chr20-31024384-C-T.
Other names: c.3686C>T, p.Ala1229Val (NM_001363734.1); short protein forms A1229V, A1290V.
Identifiers: ClinVar variation 2913260 (VCV002913260.3), dbSNP rs779080154, ClinGen allele CA9808919.

ClinVar aggregate classification (germline): Uncertain significance (1 of 4 stars; one submission).

Allele frequency attached by ClinVar (database versions not stated): TOPMed 0.00002; gnomAD exomes 0.00001; gnomAD 0.00002; ExAC 0.00002.
gnomAD v4.1: 21 of 1,614,070 alleles (0.0013%); highest among the groups gnomAD compares: Non-Finnish European, 0.0017%; no homozygotes.

Submission:

Labcorp Genetics (formerly Invitae), Labcorp
Classification: Uncertain significance. Last evaluated: 2025-08-18. Review status: criteria provided, single submitter. Criteria: Invitae Variant Classification Sherloc (09022015). Collection method: clinical testing. Allele origin: germline.
Comment: This sequence change replaces alanine, which is neutral and non-polar, with valine, which is neutral and non-polar, at codon 1290 of the ASXL1 protein (p.Ala1290Val). This variant is present in population databases (rs779080154, gnomAD 0.004%). This variant has not been reported in the literature in individuals affected with ASXL1-related conditions. ClinVar contains an entry for this variant (Variation ID: 2913260). An algorithm developed to predict the effect of missense changes on protein structure and function (PolyPhen-2) suggests that this variant is likely to be tolerated. In summary, the available evidence is currently insufficient to determine the role of this variant in disease. Therefore, it has been classified as a Variant of Uncertain Significance.